The following is an entry in ClinVar:

ClinVar aggregate classification (germline): Pathogenic/Likely pathogenic. Review status: criteria provided, multiple submitters, no conflicts (2 of 4 stars). 2 submissions from 2 submitters: Pathogenic (1); Likely pathogenic (1). Last evaluated 2024-05-13.

Conditions:
Congenital muscular hypertrophy-cerebral syndrome (CDLS2). Also called: SMC1A-Related Cornelia de Lange Syndrome; Cornelia de Lange syndrome 2. Identifiers: Orphanet 199, MedGen C1802395, MONDO:0010370, OMIM 300590.

Submissions (2):

GeneDx
Classification: Likely pathogenic. Last evaluated: 2024-05-13. Review status: criteria provided, single submitter. Criteria: GeneDx Variant Classification Process June 2021. Collection method: clinical testing. Allele origin: germline. Affected: yes.
Comment: Identified as a heterozygous variant in an individual with epilepsy, profound intellectual disability, and distinctive facial features in the published literature (PMID: 28548707); Not observed at significant frequency in large population cohorts (gnomAD); This variant is associated with the following publications: (PMID: 37107610, 28548707)

Baylor Genetics
Classification: Pathogenic for Congenital muscular hypertrophy-cerebral syndrome. Last evaluated: 2018-03-16. Review status: criteria provided, single submitter. Criteria: ACMG Guidelines, 2015. Collection method: clinical testing. Allele origin: de novo. Affected: yes.
Comment: This variant was determined to be pathogenic according to ACMG Guidelines, 2015 [PMID:25741868].

NM_006306.4(SMC1A):c.157dup (p.Thr53fs)

Gene: SMC1A (structural maintenance of chromosomes 1A; minus strand). Cytogenetic location: Xp11.22.
Variant type: Duplication.
Coding change: c.157dup on transcript NM_006306.4 (MANE Select); coding-DNA position 157, one base duplicated (A; older notation c.157dupA).
Protein change: p.Thr53fs; shifts the reading frame from threonine 53.
Molecular consequence: frameshift variant.
Genome position (GRCh38, 1-based): chrX:53,415,122, T duplicated on the plus strand (A on the coding strand, the reverse complement: SMC1A is on the minus strand); the first of 6 consecutive T bases (chrX:53,415,122-53,415,127); duplicating any one gives the same sequence. VCF-style (leftmost placement, unchanged base first): chrX-53415121-G-GT. GRCh37 (hg19) VCF-style: chrX-53442070-G-GT.
Other names: c.91dup, p.Thr31fs (NM_001281463.1); c.157dupA (NM_006306.2); c.157dup (NM_006306.2); short protein forms T31fs, T53fs.
Identifiers: ClinVar variation 1032427 (VCV001032427.2), dbSNP rs2075726992, ClinGen allele CA2429828377.